The following is an entry in ClinVar:

NM_000051.4(ATM):c.9171A>G (p.Ter3057Trp)

Genes: ATM (ATM serine/threonine kinase; plus strand), C11orf65 (chromosome 11 open reading frame 65; minus strand). Cytogenetic location: 11q22.3.
Variant type: single nucleotide variant.
Coding change: c.9171A>G on transcript NM_000051.4 (MANE Select); coding-DNA position 9171, A replaced by G.
Protein change: p.Ter3057Trp.
Molecular consequence: stop lost. On other transcripts: intron variant (2).
Genome position (GRCh38, 1-based): chr11:108,365,508, A>G. VCF-style: chr11-108365508-A-G. GRCh37 (hg19) VCF-style: chr11-108236235-A-G.
Other names: c.9171A>G, p.Ter3057Trp (NM_001351834.2); c.640+20412T>C (NM_001330368.2); c.694+20412T>C (NM_001351110.2).
Identifiers: ClinVar variation 3147989 (VCV003147989.1), dbSNP rs2091262986, ClinGen allele CA382532220.

ClinVar aggregate classification (germline): Likely pathogenic (1 of 4 stars; one submission).

Conditions:
Familial cancer of breast. Also called: hereditary breast carcinoma; BREAST CANCER, FAMILIAL; Hereditary breast cancer. Identifiers: Orphanet 227535, MedGen C0346153, MONDO:0016419, OMIM 114480. Disease mechanism: loss of function.

Submission:

Myriad Genetics, Inc.
Classification: Likely pathogenic for Familial cancer of breast. Last evaluated: 2024-02-06. Review status: criteria provided, single submitter. Criteria: Myriad Autosomal Dominant, Autosomal Recessive and X-Linked Classification Criteria (2023). Collection method: clinical testing. Allele origin: unknown.
Comment: This variant is considered likely pathogenic. This variant creates a frameshift predicted to result in the incorporation of abnormal amino acid sequence into the protein product and abnormal protein elongation. This variant has been reported in multiple individuals with clinical features of gene-specific disease [PMID: 8845835, 29155101, 17910737, 21665257].

Literature cited by the submitters: PubMed 8845835; PubMed 29155101; PubMed 17910737; PubMed 21665257.